The following is an entry in ClinVar:

ClinVar aggregate classification (germline): Uncertain significance (1 of 4 stars; one submission).

Allele frequency attached by ClinVar (database versions not stated): TOPMed below 0.00001; gnomAD 0.00001.
gnomAD v4.1: 1 of 1,613,072 alleles (0.000062%); no homozygotes.

Submission:

Labcorp Genetics (formerly Invitae), Labcorp
Classification: Uncertain significance. Last evaluated: 2022-01-13. Review status: criteria provided, single submitter. Criteria: Invitae Variant Classification Sherloc (09022015). Collection method: clinical testing. Allele origin: germline.
Comment: In summary, the available evidence is currently insufficient to determine the role of this variant in disease. Therefore, it has been classified as a Variant of Uncertain Significance. Algorithms developed to predict the effect of sequence changes on RNA splicing suggest that this variant may disrupt the consensus splice site. This variant has not been reported in the literature in individuals affected with DARS2-related conditions. This variant is not present in population databases (gnomAD no frequency). This sequence change falls in intron 13 of the DARS2 gene. It does not directly change the encoded amino acid sequence of the DARS2 protein.

NM_018122.5(DARS2):c.1345-5T>G

Gene: DARS2 (aspartyl-tRNA synthetase 2, mitochondrial; plus strand). Cytogenetic location: 1q25.1.
Variant type: single nucleotide variant.
Coding change: c.1345-5T>G on transcript NM_018122.5 (MANE Select); 5 bases into the intron before coding-DNA position 1345, T replaced by G.
Molecular consequence: intron variant.
Genome position (GRCh38, 1-based): chr1:173,853,344, T>G. VCF-style: chr1-173853344-T-G. GRCh37 (hg19) VCF-style: chr1-173822482-T-G.
Other names: c.1192-5T>G (NM_001365212.1).
Identifiers: ClinVar variation 2079944 (VCV002079944.4), dbSNP rs1653745095, ClinGen allele CA1009274064.